The following is an entry in ClinVar:

NC_000019.10:g.(?_12656561)_(12661386_?)del

Genes: MAN2B1 (mannosidase alpha class 2B member 1; minus strand), LOC129391064 (MPRA-validated peak3365 silencer; plus strand). Cytogenetic location: 19p13.13.
Variant type: Deletion.
Identifiers: ClinVar variation 644824 (VCV000644824.9).

ClinVar aggregate classification (germline): Pathogenic (1 of 4 stars; one submission).

Conditions:
Deficiency of alpha-mannosidase (MANSA). Also called: LYSOSOMAL ALPHA-D-MANNOSIDASE DEFICIENCY; Mannosidosis, alpha-, types I and II; Alpha-Mannosidosis. Identifiers: Orphanet 61, MedGen C0024748, MONDO:0009561, OMIM 248500.

Submission:

Labcorp Genetics (formerly Invitae), Labcorp
Classification: Pathogenic for Deficiency of alpha-mannosidase. Last evaluated: 2022-10-09. Review status: criteria provided, single submitter. Criteria: Invitae Variant Classification Sherloc (09022015). Collection method: clinical testing. Allele origin: germline.
Comment: This variant is a gross deletion of the genomic region encompassing exon(s) 7-13 of the MAN2B1 gene. This variant would be expected to be in-frame, preserving the integrity of the reading frame. A similar copy number variant has been observed in individual(s) with alpha-mannosidosis (PMID: 22161967). In at least one individual the data is consistent with being in trans (on the opposite chromosome) from a pathogenic variant. This variant is also known as c.909+731del6272 (p.Gly304_Asp548del245). Experimental studies and prediction algorithms are not available or were not evaluated, and the functional significance of this variant is currently unknown. For these reasons, this variant has been classified as Pathogenic.

Literature cited by the submitters: PubMed 22161967.